The following is an entry in ClinVar:

NM_002485.5(NBN):c.702+2T>C

Gene: NBN (nibrin; minus strand). Cytogenetic location: 8q21.3.
Variant type: single nucleotide variant.
Coding change: c.702+2T>C on transcript NM_002485.5 (MANE Select); the canonical splice donor site of the intron after coding-DNA position 702, T replaced by C.
Molecular consequence: splice donor variant.
Genome position (GRCh38, 1-based): chr8:89,971,171, A>G on the plus strand (T>C on the coding strand, the complement: NBN is on the minus strand). VCF-style: chr8-89971171-A-G. GRCh37 (hg19) VCF-style: chr8-90983399-A-G.
Other names: c.702+2T>C (NM_002485.4); c.456+2T>C (NM_001024688.3).
Identifiers: ClinVar variation 1066612 (VCV001066612.9), dbSNP rs1811497703, ClinGen allele CA371658912.
Genomic context (GRCh38, chr8:89,971,171, plus strand): 5'-TTAATAATGTATCCTAGTTTGTAATGTATTCTTTAGGAAAATTTAGCTTATAACATAATT[A>G]CCTGTTTGGCATTCAAAAATATAAATGTTTTCCCTTTGAAGATTTGTTTTCTTTCCTGCC-3'

ClinVar aggregate classification (germline): Likely pathogenic. Review status: criteria provided, multiple submitters, no conflicts (2 of 4 stars). 3 submissions from 3 submitters: Likely pathogenic (3). Last evaluated 2025-04-24.

Conditions:
Microcephaly, normal intelligence and immunodeficiency (NBS). Also called: Microcephaly with normal intelligence immunodeficiency and lymphoreticular malignancies; Nonsyndromal microcephaly autosomal recessive with normal intelligence; Seemanova syndrome 2; SEEMANOVA SYNDROME II; BERLIN BREAKAGE SYNDROME; Immunodeficiency, microcephaly with normal intelligence. Identifiers: Orphanet 647, MedGen C0398791, MONDO:0009623, OMIM 251260.
Aplastic anemia. Identifiers: Orphanet 182040, Orphanet 88, MedGen C0002874, MONDO:0015909, OMIM 609135, HP:0001915.

Submissions (3):

Natera, Inc.
Classification: Likely pathogenic for Nijmegen breakage syndrome. Last evaluated: 2025-04-24. Review status: criteria provided, single submitter. Criteria: Natera Variant Classification Schema (03/2026). Collection method: clinical testing. Allele origin: germline.
Comment: The c.702+2T>C variant in NBN is a canonical splice donor site variant predicted to affect pre-mRNA splicing, which may result in an abnormal transcript and altered protein product. This variant is expected to result in nonsense mediated decay, truncation, or a dysfunctional protein product. This variant is rare in the general population with a frequency below the threshold expected for the associated phenotype(s). Given the available evidence, this variant is classified as Likely Pathogenic.

Baylor Genetics
Classification: Likely pathogenic for Aplastic anemia. Last evaluated: 2023-05-08. Review status: criteria provided, single submitter. Criteria: ACMG Guidelines, 2015. Collection method: clinical testing. Allele origin: unknown.

Labcorp Genetics (formerly Invitae), Labcorp
Classification: Likely pathogenic for Microcephaly, normal intelligence and immunodeficiency. Last evaluated: 2021-10-19. Review status: criteria provided, single submitter. Criteria: Invitae Variant Classification Sherloc (09022015). Collection method: clinical testing. Allele origin: germline.
Comment: Algorithms developed to predict the effect of sequence changes on RNA splicing suggest that this variant may disrupt the consensus splice site, but this prediction has not been confirmed by published transcriptional studies. This variant has not been reported in the literature in individuals with NBN-related conditions. This variant is not present in population databases (ExAC no frequency). This sequence change affects a donor splice site in intron 6 of the NBN gene. It is expected to disrupt RNA splicing and likely results in an absent or disrupted protein product. Donor and acceptor splice site variants typically lead to a loss of protein function (PMID: 16199547), and loss-of-function variants in NBN are known to be pathogenic (PMID: 9590180, 16415040). In summary, the currently available evidence indicates that the variant is pathogenic, but additional data are needed to prove that conclusively. Therefore, this variant has been classified as Likely Pathogenic.

Literature cited by the submitters: PubMed 16199547 (cited by Labcorp Genetics (formerly Invitae), Labcorp); PubMed 9590180 (cited by Labcorp Genetics (formerly Invitae), Labcorp); PubMed 16415040 (cited by Labcorp Genetics (formerly Invitae), Labcorp).